The following is an entry in ClinVar:

ClinVar aggregate classification (germline): Uncertain significance (1 of 4 stars; one submission).

Conditions:
Intellectual disability, autosomal recessive 53 (NEDHSCA). Also called: GLYCOSYLPHOSPHATIDYLINOSITOL BIOSYNTHESIS DEFECT 13; Mental retardation, autosomal recessive 53; NEURODEVELOPMENTAL DISORDER WITH OR WITHOUT HYPOTONIA, SEIZURES, AND CEREBELLAR ATROPHY. Identifiers: Orphanet 488635, MedGen C4310794, MONDO:0014832, OMIM 616917.

Allele frequency attached by ClinVar (database versions not stated): gnomAD exomes 0.00001.
gnomAD v4.1: 6 of 1,614,216 alleles (0.00037%); highest among the groups gnomAD compares: Non-Finnish European, 0.00051%; no homozygotes.

Submission:

Labcorp Genetics (formerly Invitae), Labcorp
Classification: Uncertain significance for Intellectual disability, autosomal recessive 53. Last evaluated: 2021-06-24. Review status: criteria provided, single submitter. Criteria: Invitae Variant Classification Sherloc (09022015). Collection method: clinical testing. Allele origin: germline.
Comment: This sequence change replaces valine with alanine at codon 523 of the PIGG protein (p.Val523Ala). The valine residue is weakly conserved and there is a small physicochemical difference between valine and alanine. This variant is not present in population databases (ExAC no frequency). This variant has not been reported in the literature in individuals with PIGG-related conditions. Algorithms developed to predict the effect of missense changes on protein structure and function output the following: SIFT: "Tolerated"; PolyPhen-2: "Benign"; Align-GVGD: "Class C0". The alanine amino acid residue is found in multiple mammalian species, suggesting that this missense change does not adversely affect protein function. These predictions have not been confirmed by published functional studies and their clinical significance is uncertain. In summary, the available evidence is currently insufficient to determine the role of this variant in disease. Therefore, it has been classified as a Variant of Uncertain Significance.

NM_001127178.3(PIGG):c.1568T>C (p.Val523Ala)

Gene: PIGG (phosphatidylinositol glycan anchor biosynthesis class G (EMM blood group); plus strand). Cytogenetic location: 4p16.3.
Variant type: single nucleotide variant.
Coding change: c.1568T>C on transcript NM_001127178.3 (MANE Select); coding-DNA position 1568, T replaced by C.
Protein change: p.Val523Ala; replaces valine 523 with alanine.
Molecular consequence: missense variant. On other transcripts: 3 prime UTR variant (2), non-coding transcript variant (10).
Genome position (GRCh38, 1-based): chr4:521,895, T>C. VCF-style: chr4-521895-T-C. GRCh37 (hg19) VCF-style: chr4-515684-T-C.
Other names: c.1301T>C, p.Val434Ala (NM_001289051.2, NM_001289053.2, NM_001345986.2); c.1169T>C, p.Val390Ala (NM_001289052.2); c.*130T>C (NM_001289055.2); c.*183T>C (NM_001289057.2); c.1277T>C, p.Val426Ala (NM_001345987.2); c.539T>C, p.Val180Ala (NM_001345988.2); c.1568T>C, p.Val523Ala (NM_001345989.2); c.35T>C, p.Val12Ala (NM_001345990.2, NM_001345991.2); and 2 more; short protein forms V390A, V426A, V157A, V180A, V434A, V515A, V523A, V12A.
Identifiers: ClinVar variation 1501568 (VCV001501568.8), dbSNP rs1385893204, ClinGen allele CA355905070.